The following is an entry in ClinVar:

ClinVar aggregate classification (germline): Benign/Likely benign. Review status: criteria provided, multiple submitters, no conflicts (2 of 4 stars). 3 submissions from 3 submitters: Benign (1); Likely benign (1). 1 of the submissions does not count toward it. Last evaluated 2025-10-01.

Conditions:
Inborn genetic diseases. Identifiers: MedGen C0950123, MeSH D030342.
NHS-related disorder. Also called: NHS-related condition.
Nance-Horan syndrome (NHS). Identifiers: Orphanet 627, MedGen C0796085, MONDO:0010545, OMIM 302350.

Allele frequency attached by ClinVar (database versions not stated): ExAC 0.00002; gnomAD exomes 0.00002; ESP Exome Variant Server 0.00019; gnomAD 0.00019; TOPMed 0.00020.
gnomAD v4.1: 43 of 1,210,188 alleles (0.0036%); highest among the groups gnomAD compares: African/African-American, 0.066%; no homozygotes.

Submissions (3):

Labcorp Genetics (formerly Invitae), Labcorp
Classification: Benign for Nance-Horan syndrome. Last evaluated: 2025-10-01. Review status: criteria provided, single submitter. Criteria: Invitae Variant Classification Sherloc (09022015). Collection method: clinical testing. Allele origin: germline.

Ambry Genetics
Classification: Likely benign for Inborn genetic diseases. Last evaluated: 2024-04-04. Review status: criteria provided, single submitter. Criteria: Ambry Variant Classification Scheme 2023. Collection method: clinical testing. Allele origin: germline.

PreventionGenetics, part of Exact Sciences
Classification: Likely benign for NHS-related condition. Last evaluated: 2024-03-25. Review status: no assertion criteria provided. Collection method: clinical testing. Allele origin: germline. Not counted in ClinVar's aggregate classification.
Comment: This variant is classified as likely benign based on ACMG/AMP sequence variant interpretation guidelines (Richards et al. 2015 PMID: 25741868, with internal and published modifications).

NM_001291867.2(NHS):c.2932A>G (p.Ile978Val)

Gene: NHS (NHS actin remodeling regulator; plus strand). Cytogenetic location: Xp22.13.
Variant type: single nucleotide variant.
Coding change: c.2932A>G on transcript NM_001291867.2 (MANE Select); coding-DNA position 2932, A replaced by G.
Protein change: p.Ile978Val; replaces isoleucine 978 with valine.
Molecular consequence: missense variant.
Genome position (GRCh38, 1-based): chrX:17,727,038, A>G. VCF-style: chrX-17727038-A-G. GRCh37 (hg19) VCF-style: chrX-17745158-A-G.
Other names: c.2869A>G (NM_198270.3, NM_198270.2); c.2401A>G, p.Ile801Val (NM_001136024.4); c.2338A>G, p.Ile780Val (NM_001291868.2); c.2869A>G, p.Ile957Val (NM_198270.4); short protein forms I957V, I978V, I801V, I780V.
Identifiers: ClinVar variation 2050785 (VCV002050785.6), dbSNP rs377452042, ClinGen allele CA10358780.
Genomic context (GRCh38, chrX:17,727,038, plus strand): 5'-GATCCTTATAGATCTCTATCTAATTCAAGCACCGCTACGGGTACCACAGTCATTGAATGC[A>G]TCAAATCTCCAGAGAGCTCTGAATCCCAAACATCACAATCAGAATCAAGAGCCACCACCC-3'
Protein context (NP_001278796.1, residues 968-988): TATGTTVIEC[Ile978Val]KSPESSESQT